The following is an entry in ClinVar:

NM_152564.5(VPS13B):c.5091_5092del (p.Cys1697fs)

Gene: VPS13B (vacuolar protein sorting 13 homolog B; plus strand). Cytogenetic location: 8q22.2.
Variant type: Microsatellite.
Coding change: c.5091_5092del on transcript NM_152564.5 (MANE Select); coding-DNA positions 5091 to 5092, 2 bases deleted (TG; older notation c.5091_5092delTG).
Protein change: p.Cys1697fs; shifts the reading frame from cysteine 1697.
Molecular consequence: frameshift variant.
Genome position (GRCh38, 1-based): chr8:99,577,504-99,577,505, TG deleted; deleting any 2 consecutive bases within chr8:99,577,499-99,577,505 gives the same sequence; the c. name uses the placement nearest the transcript's 3' end. VCF-style (leftmost placement, unchanged base first): chr8-99577498-AGT-A. GRCh37 (hg19) VCF-style: chr8-100589726-AGT-A.
Other names: c.5166_5167del, p.Cys1722fs (NM_017890.5); short protein forms C1697fs, C1722fs.
Identifiers: ClinVar variation 2096330 (VCV002096330.4), dbSNP rs2490909925, ClinGen allele CA2580617206.

ClinVar aggregate classification (germline): Pathogenic (1 of 4 stars; one submission).

Conditions:
Cohen syndrome (COH1). Also called: Cutis verticis gyrata, retinitis pigmentosa, and sensorineural deafness; PEPPER SYNDROME. Identifiers: Orphanet 193, MedGen C0265223, MONDO:0008999, OMIM 216550.

Submission:

Labcorp Genetics (formerly Invitae), Labcorp
Classification: Pathogenic for Cohen syndrome. Last evaluated: 2022-02-11. Review status: criteria provided, single submitter. Criteria: Invitae Variant Classification Sherloc (09022015). Collection method: clinical testing. Allele origin: germline.
Comment: This sequence change creates a premature translational stop signal (p.Cys1722Trpfs*46) in the VPS13B gene. It is expected to result in an absent or disrupted protein product. Loss-of-function variants in VPS13B are known to be pathogenic (PMID: 15141358, 16648375, 20461111). This variant is not present in population databases (gnomAD no frequency). This variant has not been reported in the literature in individuals affected with VPS13B-related conditions. For these reasons, this variant has been classified as Pathogenic.

Literature cited by the submitters: PubMed 15141358; PubMed 16648375; PubMed 20461111.